The following is an entry in ClinVar:

ClinVar aggregate classification (germline): Uncertain significance (1 of 4 stars; one submission).

gnomAD v4.1: 2 of 1,613,810 alleles (0.00012%); highest among the groups gnomAD compares: Middle Eastern, 0.017%; no homozygotes.

Submission:

GeneDx
Classification: Uncertain significance. Last evaluated: 2024-05-29. Review status: criteria provided, single submitter. Criteria: GeneDx Variant Classification Process June 2021. Collection method: clinical testing. Allele origin: germline. Affected: yes.
Comment: Not observed at significant frequency in large population cohorts (gnomAD); In silico analysis supports that this missense variant has a deleterious effect on protein structure/function; Has not been previously published as pathogenic or benign to our knowledge

NM_015335.5(MED13L):c.661A>C (p.Thr221Pro)

Gene: MED13L (mediator complex subunit 13L; minus strand). Cytogenetic location: 12q24.21.
Variant type: single nucleotide variant.
Coding change: c.661A>C on transcript NM_015335.5 (MANE Select); coding-DNA position 661, A replaced by C.
Protein change: p.Thr221Pro; replaces threonine 221 with proline.
Molecular consequence: missense variant.
Genome position (GRCh38, 1-based): chr12:116,019,937, T>G on the plus strand (A>C on the coding strand, the complement: MED13L is on the minus strand). VCF-style: chr12-116019937-T-G. GRCh37 (hg19) VCF-style: chr12-116457742-T-G.
Other names: short protein forms T221P.
Identifiers: ClinVar variation 3383682 (VCV003383682.1).